The following is an entry in ClinVar:

ClinVar aggregate classification (germline): Benign (0 of 4 stars; one submission).

Conditions:
PXDNL-related disorder. Also called: PXDNL-related condition.

Allele frequency attached by ClinVar (database versions not stated): gnomAD exomes 0.26039; ExAC 0.26955; 1000 Genomes Project 0.31250; 1000 Genomes Project 30x 0.32027; gnomAD 0.34034; TOPMed 0.34798; ESP Exome Variant Server 0.35383.
gnomAD v4.1: 417,709 of 1,555,250 alleles (27%); highest among the groups gnomAD compares: African/African-American, 58%; 60,980 homozygotes.

Submission:

PreventionGenetics, part of Exact Sciences
Classification: Benign for PXDNL-related condition. Last evaluated: 2019-10-28. Review status: no assertion criteria provided. Collection method: clinical testing. Allele origin: germline.
Comment: This variant is classified as benign based on ACMG/AMP sequence variant interpretation guidelines (Richards et al. 2015 PMID: 25741868, with internal and published modifications).

NM_144651.5(PXDNL):c.4356C>A (p.Asp1452Glu)

Gene: PXDNL (peroxidasin like; minus strand). Cytogenetic location: 8q11.22.
Variant type: single nucleotide variant.
Coding change: c.4356C>A on transcript NM_144651.5 (MANE Select); coding-DNA position 4356, C replaced by A.
Protein change: p.Asp1452Glu; replaces aspartic acid 1452 with glutamic acid.
Molecular consequence: missense variant.
Genome position (GRCh38, 1-based): chr8:51,319,927, G>T on the plus strand (C>A on the coding strand, the complement: PXDNL is on the minus strand). VCF-style: chr8-51319927-G-T. GRCh37 (hg19) VCF-style: chr8-52232487-G-T.
Other names: short protein forms D1452E.
Identifiers: ClinVar variation 3060502 (VCV003060502.2), dbSNP rs1052704, ClinGen allele CA4744469.